The following is an entry in ClinVar:

NM_000245.4(MET):c.3301G>C (p.Asp1101His)

Gene: MET (MET proto-oncogene, receptor tyrosine kinase; plus strand). Cytogenetic location: 7q31.2.
Variant type: single nucleotide variant.
Coding change: c.3301G>C on transcript NM_000245.4 (MANE Select); coding-DNA position 3301, G replaced by C.
Protein change: p.Asp1101His; replaces aspartic acid 1101 with histidine.
Molecular consequence: missense variant.
Genome position (GRCh38, 1-based): chr7:116,777,430, G>C. VCF-style: chr7-116777430-G-C. GRCh37 (hg19) VCF-style: chr7-116417484-G-C.
Other names: c.3355G>C, p.Asp1119His (NM_001127500.3); c.2011G>C, p.Asp671His (NM_001324402.2); short protein forms D1101H, D1119H, D671H.
Identifiers: ClinVar variation 3232979 (VCV003232979.1), dbSNP rs749678495, ClinGen allele CA368989674.

ClinVar aggregate classification (germline): Uncertain significance (1 of 4 stars; one submission).

Conditions:
Hereditary cancer-predisposing syndrome. Also called: Neoplastic Syndromes, Hereditary; Tumor predisposition; Hereditary neoplastic syndrome; Hereditary Cancer Syndrome. Identifiers: Orphanet 140162, MedGen C0027672, MeSH D009386, MONDO:0015356.

Submission:

Ambry Genetics
Classification: Uncertain significance for Hereditary cancer-predisposing syndrome. Last evaluated: 2023-12-26. Review status: criteria provided, single submitter. Criteria: Ambry Variant Classification Scheme 2023. Collection method: clinical testing. Allele origin: germline.
Comment: The p.D1119H variant (also known as c.3355G>C), located in coding exon 15 of the MET gene, results from a G to C substitution at nucleotide position 3355. The aspartic acid at codon 1119 is replaced by histidine, an amino acid with similar properties. This amino acid position is well conserved in available vertebrate species. In addition, the in silico prediction for this alteration is inconclusive. Since supporting evidence is limited at this time, the clinical significance of this alteration remains unclear.